The following is an entry in ClinVar:

NM_003072.5(SMARCA4):c.3546+7G>C

Gene: SMARCA4 (SWI/SNF related BAF chromatin remodeling complex subunit ATPase 4; plus strand). Cytogenetic location: 19p13.2.
Variant type: single nucleotide variant.
Coding change: c.3546+7G>C on transcript NM_003072.5 (MANE Select); 7 bases into the intron after coding-DNA position 3546, G replaced by C.
Molecular consequence: intron variant.
Genome position (GRCh38, 1-based): chr19:11,030,900, G>C. VCF-style: chr19-11030900-G-C. GRCh37 (hg19) VCF-style: chr19-11141576-G-C.
Other names: c.3546+7G>C (NM_001128844.3, NM_001128849.3, NM_001128847.4 and 5 more transcripts).
Identifiers: ClinVar variation 1137036 (VCV001137036.10), dbSNP rs2074880634, ClinGen allele CA2322729825.

ClinVar aggregate classification (germline): Likely benign. Review status: criteria provided, multiple submitters, no conflicts (2 of 4 stars). 2 submissions from 2 submitters: Likely benign (2). Last evaluated 2026-07-07.

Conditions:
Rhabdoid tumor predisposition syndrome 2 (RTPS2). Identifiers: Orphanet 231108, Orphanet 69077, MedGen C2750074, MONDO:0013224, OMIM 613325.

Allele frequency attached by ClinVar (database versions not stated): gnomAD exomes 0.00001.
gnomAD v4.1: 3 of 1,608,940 alleles (0.00019%); highest among the groups gnomAD compares: Non-Finnish European, 0.00025%; no homozygotes.

Submissions (2):

Myriad Genetics, Inc.
Classification: Likely benign for Rhabdoid tumor predisposition syndrome 2. Last evaluated: 2026-07-07. Review status: criteria provided, single submitter. Criteria: Myriad Autosomal Dominant, Autosomal Recessive and X-Linked Classification Criteria (2023). Collection method: clinical testing. Allele origin: unknown.
Comment: This variant is considered likely benign. This variant is intronic and is not expected to impact mRNA splicing.

Labcorp Genetics (formerly Invitae), Labcorp
Classification: Likely benign for Rhabdoid tumor predisposition syndrome 2. Last evaluated: 2025-04-17. Review status: criteria provided, single submitter. Criteria: Invitae Variant Classification Sherloc (09022015). Collection method: clinical testing. Allele origin: germline.